The following is an entry in ClinVar:

NM_000548.5(TSC2):c.618C>G (p.Cys206Trp)

Gene: TSC2 (TSC complex subunit 2; plus strand). Cytogenetic location: 16p13.3.
Variant type: single nucleotide variant.
Coding change: c.618C>G on transcript NM_000548.5 (MANE Select); coding-DNA position 618, C replaced by G.
Protein change: p.Cys206Trp; replaces cysteine 206 with tryptophan.
Molecular consequence: missense variant. On other transcripts: 5 prime UTR variant (10), non-coding transcript variant (5).
Genome position (GRCh38, 1-based): chr16:2,056,214, C>G. VCF-style: chr16-2056214-C-G. GRCh37 (hg19) VCF-style: chr16-2106215-C-G.
Other names: c.618C>G, p.Cys206Trp (NM_001077183.3, NM_001114382.3, NM_001363528.2 and 8 more transcripts); c.507C>G, p.Cys169Trp (NM_001318827.2, NM_001406670.1, NM_001406678.1); c.471C>G, p.Cys157Trp (NM_001318829.2, NM_001406675.1, NM_001406676.1 and 1 more transcripts); c.18C>G, p.Cys6Trp (NM_001318831.2, NM_001406680.1, NM_001406682.1 and 6 more transcripts); c.651C>G, p.Cys217Trp (NM_001318832.2); c.708C>G, p.Cys236Trp (NM_001406667.1, NM_001406668.1); c.561C>G, p.Cys187Trp (NM_001406677.1); c.156C>G, p.Cys52Trp (NM_001406681.1); and 4 more; short protein forms C206W, C169W, C157W, C6W, C187W, C217W, C236W, C52W.
Identifiers: ClinVar variation 3974681 (VCV003974681.1).

ClinVar aggregate classification (germline): Uncertain significance (1 of 4 stars; one submission).

Conditions:
Hereditary cancer-predisposing syndrome. Also called: Tumor predisposition; Hereditary neoplastic syndrome; Hereditary Cancer Syndrome; Neoplastic Syndromes, Hereditary. Identifiers: Orphanet 140162, MedGen C0027672, MeSH D009386, MONDO:0015356.

Submission:

Ambry Genetics
Classification: Uncertain significance for Hereditary cancer-predisposing syndrome. Last evaluated: 2025-05-17. Review status: criteria provided, single submitter. Criteria: Ambry Variant Classification Scheme 2023. Collection method: clinical testing. Allele origin: germline.
Comment: The p.C206W variant (also known as c.618C>G), located in coding exon 6 of the TSC2 gene, results from a C to G substitution at nucleotide position 618. The cysteine at codon 206 is replaced by tryptophan, an amino acid with highly dissimilar properties. This amino acid position is conserved. In addition, this alteration is predicted to be deleterious by in silico analysis. Based on the available evidence, the clinical significance of this variant remains unclear.